The following is an entry in ClinVar:

NC_000022.11:g.20354464C>A

Variant type: single nucleotide variant.
Genome position: GRCh38 VCF-style: chr22-20354464-C-A. GRCh37 (hg19) VCF-style: chr22-20708754-C-A.
Identifiers: ClinVar variation 4534414 (VCV004534414.6).
Genomic context (GRCh38, chr22:20,354,464, plus strand): 5'-GGACGCCATATATGACATCGCTAACGAGGACGCCGTCCAGGGCATCGCAAAGGAGGACGC[C>A]GCCCAGGGCATCGCTAACGAGGAAGCCGTCCACGACATCGCTAACGAGGATGCCGCCCAC-3'

ClinVar aggregate classification (germline): Likely benign (1 of 4 stars; one submission).

Submission:

CeGaT Center for Human Genetics Tuebingen
Classification: Likely benign. Last evaluated: 2025-10-01. Review status: criteria provided, single submitter. Criteria: CeGaT Center For Human Genetics Tuebingen Variant Classification Criteria Version 2. Collection method: clinical testing. Allele origin: germline. Affected: yes. Observed: 1 variant allele.
Comment: FAM230A: BP4, BP7